The following is an entry in ClinVar:

NM_020937.4(FANCM):c.920T>C (p.Ile307Thr)

Gene: FANCM (FA complementation group M; plus strand). Cytogenetic location: 14q21.2.
Variant type: single nucleotide variant.
Coding change: c.920T>C on transcript NM_020937.4 (MANE Select); coding-DNA position 920, T replaced by C.
Protein change: p.Ile307Thr; replaces isoleucine 307 with threonine.
Molecular consequence: missense variant.
Genome position (GRCh38, 1-based): chr14:45,151,398, T>C. VCF-style: chr14-45151398-T-C. GRCh37 (hg19) VCF-style: chr14-45620601-T-C.
Other names: c.920T>C (NM_020937.2); c.842T>C, p.Ile281Thr (NM_001308133.2); c.920T>C, p.Ile307Thr (NM_001308134.2); short protein forms I281T, I307T.
Identifiers: ClinVar variation 1052796 (VCV001052796.10), dbSNP rs2139159942, ClinGen allele CA389590473.

ClinVar aggregate classification (germline): Uncertain significance. Review status: criteria provided, multiple submitters, no conflicts (2 of 4 stars). 2 submissions from 2 submitters: Uncertain significance (2). Last evaluated 2025-04-03.

Conditions:
Inborn genetic diseases. Identifiers: MedGen C0950123, MeSH D030342.
Fanconi anemia (FA). Also called: Fanconi's anemia. Identifiers: Orphanet 84, MedGen C0015625, MeSH D005199, MONDO:0019391.

Submissions (2):

Ambry Genetics
Classification: Uncertain significance for Inborn genetic diseases. Last evaluated: 2025-04-03. Review status: criteria provided, single submitter. Criteria: Ambry Variant Classification Scheme 2023. Collection method: clinical testing. Allele origin: germline.
Comment: The p.I307T variant (also known as c.920T>C), located in coding exon 5 of the FANCM gene, results from a T to C substitution at nucleotide position 920. The isoleucine at codon 307 is replaced by threonine, an amino acid with similar properties. This amino acid position is conserved. In addition, this alteration is predicted to be tolerated by in silico analysis. Based on the available evidence, the clinical significance of this variant remains unclear.

Labcorp Genetics (formerly Invitae), Labcorp
Classification: Uncertain significance for Fanconi anemia. Last evaluated: 2020-01-05. Review status: criteria provided, single submitter. Criteria: Invitae Variant Classification Sherloc (09022015). Collection method: clinical testing. Allele origin: germline.
Comment: In summary, the available evidence is currently insufficient to determine the role of this variant in disease. Therefore, it has been classified as a Variant of Uncertain Significance. Algorithms developed to predict the effect of missense changes on protein structure and function are either unavailable or do not agree on the potential impact of this missense change (SIFT: "Deleterious"; PolyPhen-2: "Benign"; Align-GVGD: "Class C0"). This variant has not been reported in the literature in individuals with FANCM-related conditions. This variant is not present in population databases (ExAC no frequency). This sequence change replaces isoleucine with threonine at codon 307 of the FANCM protein (p.Ile307Thr). The isoleucine residue is weakly conserved and there is a moderate physicochemical difference between isoleucine and threonine.